The following is an entry in ClinVar:

ClinVar aggregate classification (germline): Uncertain significance. Review status: criteria provided, multiple submitters, no conflicts (2 of 4 stars). 5 submissions from 5 submitters: Uncertain significance (5). Last evaluated 2025-07-02.

Conditions:
MARS1-related disorder. Also called: MARS1-related condition.
Charcot-Marie-Tooth disease axonal type 2U. Also called: CHARCOT-MARIE-TOOTH NEUROPATHY, TYPE 2U; CHARCOT-MARIE-TOOTH DISEASE, AXONAL, AUTOSOMAL DOMINANT, TYPE 2U. Identifiers: Orphanet 397735, MedGen C4084821, MONDO:0014566, OMIM 616280.
Severe early-onset pulmonary alveolar proteinosis due to MARS deficiency. Also called: PULMONARY ALVEOLAR PROTEINOSIS, REUNION ISLAND; Interstitial lung and liver disease. Identifiers: Orphanet 440427, MedGen C4225400, MONDO:0014206, OMIM 615486.

Allele frequency attached by ClinVar (database versions not stated): gnomAD 0.00001 and 0.00002; TOPMed 0.00002; ExAC 0.00004; gnomAD exomes 0.00004; ESP Exome Variant Server 0.00008.
gnomAD v4.1: 59 of 1,613,744 alleles (0.0037%); highest among the groups gnomAD compares: East Asian, 0.069%; no homozygotes.

Submissions (5):

PreventionGenetics, part of Exact Sciences
Classification: Uncertain significance for MARS1-related condition. Last evaluated: 2025-07-02. Review status: criteria provided, single submitter. Criteria: ACMG Guidelines, 2015. Collection method: clinical testing. Allele origin: germline.
Comment: The MARS1 c.2612C>T variant is predicted to result in the amino acid substitution p.Ala871Val. This variant has been reported as a variant of uncertain significance in an individual with Charcot-Marie-Tooth disease (Table S2 in Nam et al. 2022. PubMed ID: 34813128). This variant is reported in 0.027% of alleles in individuals of East Asian descent in gnomAD. At this time, the clinical significance of this variant is uncertain due to the absence of conclusive functional and genetic evidence.

Ambry Genetics
Classification: Uncertain significance. Last evaluated: 2023-10-02. Review status: criteria provided, single submitter. Criteria: Ambry Variant Classification Scheme 2023. Collection method: clinical testing. Allele origin: germline.

Labcorp Genetics (formerly Invitae), Labcorp
Classification: Uncertain significance for Charcot-Marie-Tooth disease axonal type 2U; Severe early-onset pulmonary alveolar proteinosis due to MARS deficiency. Last evaluated: 2023-02-22. Review status: criteria provided, single submitter. Criteria: Invitae Variant Classification Sherloc (09022015). Collection method: clinical testing. Allele origin: germline.
Comment: This missense change has been observed in individual(s) with Charcot-Marie-Tooth disease (PMID: 34813128). In summary, the available evidence is currently insufficient to determine the role of this variant in disease. Therefore, it has been classified as a Variant of Uncertain Significance. An algorithm developed to predict the effect of missense changes on protein structure and function (PolyPhen-2) suggests that this variant¬¨‚Ä† is likely to be tolerated. ClinVar contains an entry for this variant (Variation ID: 392121). This variant is present in population databases (rs370631429, gnomAD 0.03%). This sequence change replaces alanine, which is neutral and non-polar, with valine, which is neutral and non-polar, at codon 871 of the MARS protein (p.Ala871Val).

GeneDx
Classification: Uncertain significance. Last evaluated: 2017-01-01. Review status: criteria provided, single submitter. Criteria: GeneDx Variant Classification (06012015). Collection method: clinical testing. Allele origin: germline. Affected: yes.
Comment: The A871V variant has not been published as a pathogenic variant, nor has it been reported as a benign variant to our knowledge. The A871V variant was not observed at any significant frequency in approximately 6,500 individuals of European and African American ancestry in the NHLBI Exome Sequencing Project, indicating it is not a common benign variant in these populations. The A871V variant is a conservative amino acid substitution, which is not likely to impact secondary protein structure as these residues share similar properties. This substitution occurs at a position where amino acids with similar properties to Alanine are tolerated across species. In silico analysis is inconsistent in its predictions as to whether or not the variant is damaging to the protein structure/function. In summary, based on the currently available information, it is unclear whether this variant is a pathogenic variant or a rare benign variant.

Breakthrough Genomics
Classification: Uncertain significance. Review status: criteria provided, single submitter. Criteria: ACMG Guidelines, 2015. Collection method: not provided. Allele origin: germline. Inheritance: Autosomal recessive inheritance. Affected: yes.

Literature cited by the submitters: PubMed 34813128 (cited by Ambry Genetics and Labcorp Genetics (formerly Invitae), Labcorp).

NM_004990.4(MARS1):c.2612C>T (p.Ala871Val)

Gene: MARS1 (methionyl-tRNA synthetase 1; plus strand). Cytogenetic location: 12q13.3.
Variant type: single nucleotide variant.
Coding change: c.2612C>T on transcript NM_004990.4 (MANE Select); coding-DNA position 2612, C replaced by T.
Protein change: p.Ala871Val; replaces alanine 871 with valine.
Molecular consequence: missense variant.
Genome position (GRCh38, 1-based): chr12:57,516,490, C>T. VCF-style: chr12-57516490-C-T. GRCh37 (hg19) VCF-style: chr12-57910273-C-T.
Other names: short protein forms A871V.
Identifiers: ClinVar variation 392121 (VCV000392121.9), dbSNP rs370631429, ClinGen allele CA6650906.